The following is an entry in ClinVar:

ClinVar aggregate classification (germline): Uncertain significance. Review status: criteria provided, multiple submitters, no conflicts (2 of 4 stars). 2 submissions from 2 submitters: Uncertain significance (2). Last evaluated 2023-11-12.

Conditions:
Cornelia de Lange syndrome 1 (CDLS1). Also called: Brachmann de Lange syndrome; TYPUS DEGENERATIVUS AMSTELODAMENSIS; NIPBL-Related Cornelia de Lange Syndrome. Identifiers: Orphanet 199, MedGen C4551851, MONDO:0007387, OMIM 122470.

Submissions (2):

Labcorp Genetics (formerly Invitae), Labcorp
Classification: Uncertain significance for Cornelia de Lange syndrome 1. Last evaluated: 2023-11-12. Review status: criteria provided, single submitter. Criteria: Invitae Variant Classification Sherloc (09022015). Collection method: clinical testing. Allele origin: germline.
Comment: This sequence change replaces proline, which is neutral and non-polar, with threonine, which is neutral and polar, at codon 942 of the NIPBL protein (p.Pro942Thr). This variant is not present in population databases (gnomAD no frequency). This variant has not been reported in the literature in individuals affected with NIPBL-related conditions. ClinVar contains an entry for this variant (Variation ID: 2434365). Advanced modeling of protein sequence and biophysical properties (such as structural, functional, and spatial information, amino acid conservation, physicochemical variation, residue mobility, and thermodynamic stability) has been performed at Invitae for this missense variant, however the output from this modeling did not meet the statistical confidence thresholds required to predict the impact of this variant on NIPBL protein function. In summary, the available evidence is currently insufficient to determine the role of this variant in disease. Therefore, it has been classified as a Variant of Uncertain Significance.

Revvity Omics, Revvity
Classification: Uncertain significance for Cornelia de Lange syndrome 1. Last evaluated: 2022-12-14. Review status: criteria provided, single submitter. Criteria: ACMG Guidelines, 2015. Collection method: clinical testing. Allele origin: germline.

NM_133433.4(NIPBL):c.2824C>A (p.Pro942Thr)

Gene: NIPBL (NIPBL cohesin loading factor; plus strand). Cytogenetic location: 5p13.2.
Variant type: single nucleotide variant.
Coding change: c.2824C>A on transcript NM_133433.4 (MANE Select); coding-DNA position 2824, C replaced by A.
Protein change: p.Pro942Thr; replaces proline 942 with threonine.
Molecular consequence: missense variant.
Genome position (GRCh38, 1-based): chr5:36,986,004, C>A. VCF-style: chr5-36986004-C-A. GRCh37 (hg19) VCF-style: chr5-36986106-C-A.
Other names: c.2824C>A, p.Pro942Thr (NM_015384.5); short protein forms P942T.
Identifiers: ClinVar variation 2434365 (VCV002434365.6), dbSNP rs2477938891, ClinGen allele CA359505718.